The following is an entry in ClinVar:

NM_198252.3(GSN):c.915_916insTTC (p.Lys305_Ala306insPhe)

Gene: GSN (gelsolin; plus strand). Cytogenetic location: 9q33.2.
Variant type: Insertion.
Coding change: c.915_916insTTC on transcript NM_198252.3 (MANE Select); coding-DNA positions 915 to 916, TTC inserted.
Protein change: p.Lys305_Ala306insPhe.
Genome position: GRCh38 VCF-style: chr9-121318434-G-GTTC. GRCh37 (hg19) VCF-style: chr9-124080712-G-GTTC.
Other names: c.915_916insTTC, p.Lys305_Ala306insPhe (NM_001353061.2, NM_001353062.1, NM_001353053.1 and 10 more transcripts); c.948_949insTTC, p.Lys316_Ala317insPhe (NM_001353063.2, NM_001353064.2, NM_001353065.2 and 13 more transcripts); c.987_988insTTC, p.Lys329_Ala330insPhe (NM_001353076.2); c.261_262insTTC, p.Lys87_Ala88insPhe (NM_001353078.2); c.966_967insTTC, p.Lys322_Ala323insPhe (NM_001258029.2); c.939_940insTTC, p.Lys313_Ala314insPhe (NM_001258030.2); c.1068_1069insTTC, p.Lys356_Ala357insPhe (NM_000177.5); c.1023_1024insTTC, p.Lys341_Ala342insPhe (NM_001127663.2).
Identifiers: ClinVar variation 3648314 (VCV003648314.2).
Genomic context (GRCh38, chr9:121,318,434, plus strand): 5'-AACCCTCCATCACTTCCTCTGGCTGCCAACAGGCAAGCAGGCAAACACGGAGGAGAGGAA[G>GTTC]GCTGCCCTCAAAACAGCCTCTGACTTCATCACCAAGATGGACTACCCCAAGCAGACTCAG-3'

ClinVar aggregate classification (germline): Uncertain significance (1 of 4 stars; one submission).

Submission:

Labcorp Genetics (formerly Invitae), Labcorp
Classification: Uncertain significance. Last evaluated: 2024-04-01. Review status: criteria provided, single submitter. Criteria: Invitae Variant Classification Sherloc (09022015). Collection method: clinical testing. Allele origin: germline.
Comment: This variant, c.1068_1069insTTC, results in the insertion of 1 amino acid(s) of the GSN protein (p.Lys356_Ala357insPhe), but otherwise preserves the integrity of the reading frame. This variant is not present in population databases (gnomAD no frequency). This variant has not been reported in the literature in individuals affected with GSN-related conditions. Experimental studies and prediction algorithms are not available or were not evaluated, and the functional significance of this variant is currently unknown. In summary, the available evidence is currently insufficient to determine the role of this variant in disease. Therefore, it has been classified as a Variant of Uncertain Significance.